The following is an entry in ClinVar:

ClinVar aggregate classification (germline): Conflicting classifications of pathogenicity. Review status: criteria provided, conflicting classifications (1 of 4 stars). 5 submissions from 5 submitters: Uncertain significance (1); Benign (1); Likely benign (3). Last evaluated 2026-07-12.

Conditions:
P2RX2-related disorder. Also called: P2RX2-related condition.

Allele frequency attached by ClinVar (database versions not stated): 1000 Genomes Project 30x 0.00016; 1000 Genomes Project 0.00020; gnomAD exomes 0.00022 and 0.00040; ExAC 0.00028; gnomAD 0.00030 and 0.00031; TOPMed 0.00030; ESP Exome Variant Server 0.00054.
gnomAD v4.1: 640 of 1,613,418 alleles (0.04%); highest among the groups gnomAD compares: Non-Finnish European, 0.049%; no homozygotes.

Submissions (5):

PreventionGenetics, part of Exact Sciences
Classification: Likely benign for P2RX2-related condition. Last evaluated: 2026-07-12. Review status: criteria provided, single submitter. Criteria: ACMG Guidelines, 2015. Collection method: clinical testing. Allele origin: germline.
Comment: This variant is classified as likely benign based on ACMG/AMP sequence variant interpretation guidelines (Richards et al. 2015 PMID: 25741868, with internal and published modifications).

Labcorp Genetics (formerly Invitae), Labcorp
Classification: Benign. Last evaluated: 2025-09-23. Review status: criteria provided, single submitter. Criteria: Invitae Variant Classification Sherloc (09022015). Collection method: clinical testing. Allele origin: germline.

Blueprint Genetics
Classification: Likely benign. Last evaluated: 2024-11-05. Review status: criteria provided, single submitter. Criteria: ACMG Guidelines, 2015. Collection method: clinical testing. Allele origin: germline.

CeGaT Center for Human Genetics Tuebingen
Classification: Likely benign. Last evaluated: 2023-04-01. Review status: criteria provided, single submitter. Criteria: CeGaT Center For Human Genetics Tuebingen Variant Classification Criteria Version 2. Collection method: clinical testing. Allele origin: germline. Affected: yes. Observed: 1 variant allele.
Comment: P2RX2: BP4

Ambry Genetics
Classification: Uncertain significance. Last evaluated: 2021-09-01. Review status: criteria provided, single submitter. Criteria: Ambry Variant Classification Scheme 2023. Collection method: clinical testing. Allele origin: germline.

NM_170682.4(P2RX2):c.1151C>T (p.Pro384Leu)

Gene: P2RX2 (purinergic receptor P2X 2; plus strand). Cytogenetic location: 12q24.33.
Variant type: single nucleotide variant.
Coding change: c.1151C>T on transcript NM_170682.4 (MANE Select); coding-DNA position 1151, C replaced by T.
Protein change: p.Pro384Leu; replaces proline 384 with leucine.
Molecular consequence: missense variant. On other transcripts: 3 prime UTR variant (1), intron variant (2).
Genome position (GRCh38, 1-based): chr12:132,621,707, C>T. VCF-style: chr12-132621707-C-T. GRCh37 (hg19) VCF-style: chr12-133198293-C-T.
Other names: c.1229C>T (NM_170683.2, NM_170683.3); c.*198C>T (NM_001282165.2); c.935C>T, p.Pro312Leu (NM_012226.5); c.1079C>T, p.Pro360Leu (NM_016318.4); c.1229C>T, p.Pro410Leu (NM_170683.4); c.875C>T, p.Pro292Leu (NM_174872.3); c.1140+11C>T (NM_174873.3); c.1038+11C>T (NM_001282164.2); short protein forms P292L, P312L, P360L, P384L, P410L.
Identifiers: ClinVar variation 1599806 (VCV001599806.38), dbSNP rs148054613, ClinGen allele CA6891846.